The following is an entry in ClinVar:

NM_138701.4(MPLKIP):c.401A>G (p.Asn134Ser)

Gene: MPLKIP (M-phase specific PLK1 interacting protein; minus strand). Cytogenetic location: 7p14.1.
Variant type: single nucleotide variant.
Coding change: c.401A>G on transcript NM_138701.4 (MANE Select); coding-DNA position 401, A replaced by G.
Protein change: p.Asn134Ser; replaces asparagine 134 with serine.
Molecular consequence: missense variant.
Genome position (GRCh38, 1-based): chr7:40,133,198, T>C on the plus strand (A>G on the coding strand, the complement: MPLKIP is on the minus strand). VCF-style: chr7-40133198-T-C. GRCh37 (hg19) VCF-style: chr7-40172797-T-C.
Other names: short protein forms N134S.
Identifiers: ClinVar variation 2812338 (VCV002812338.3), dbSNP rs2484133846, ClinGen allele CA367307767.

ClinVar aggregate classification (germline): Uncertain significance (1 of 4 stars; one submission).

Submission:

Labcorp Genetics (formerly Invitae), Labcorp
Classification: Uncertain significance. Last evaluated: 2024-10-24. Review status: criteria provided, single submitter. Criteria: Invitae Variant Classification Sherloc (09022015). Collection method: clinical testing. Allele origin: germline.
Comment: This sequence change replaces asparagine, which is neutral and polar, with serine, which is neutral and polar, at codon 134 of the MPLKIP protein (p.Asn134Ser). This variant is not present in population databases (gnomAD no frequency). This variant has not been reported in the literature in individuals affected with MPLKIP-related conditions. An algorithm developed to predict the effect of missense changes on protein structure and function (PolyPhen-2) suggests that this variant is likely to be disruptive. Algorithms developed to predict the effect of sequence changes on RNA splicing suggest that this variant may create or strengthen a splice site. In summary, the available evidence is currently insufficient to determine the role of this variant in disease. Therefore, it has been classified as a Variant of Uncertain Significance.